The following is an entry in ClinVar:

NM_182914.3(SYNE2):c.6620A>G (p.Asn2207Ser)

Gene: SYNE2 (spectrin repeat containing nuclear envelope protein 2; plus strand). Cytogenetic location: 14q23.2.
Variant type: single nucleotide variant.
Coding change: c.6620A>G on transcript NM_182914.3 (MANE Select); coding-DNA position 6620, A replaced by G.
Protein change: p.Asn2207Ser; replaces asparagine 2207 with serine.
Molecular consequence: missense variant.
Genome position (GRCh38, 1-based): chr14:64,027,699, A>G. VCF-style: chr14-64027699-A-G. GRCh37 (hg19) VCF-style: chr14-64494417-A-G.
Other names: c.6620A>G, p.Asn2207Ser (NM_015180.6); short protein forms N2207S.
Identifiers: ClinVar variation 1511596 (VCV001511596.6), dbSNP rs2153541057, ClinGen allele CA389949696.

ClinVar aggregate classification (germline): Uncertain significance (1 of 4 stars; one submission).

Conditions:
Emery-Dreifuss muscular dystrophy 5, autosomal dominant (EDMD5). Also called: EMERY-DREIFUSS MUSCULAR DYSTROPHY 5. Identifiers: Orphanet 261, MedGen C2751805, MONDO:0013072, OMIM 612999.

gnomAD v4.1: 2 of 1,614,168 alleles (0.00012%); highest among the groups gnomAD compares: Non-Finnish European, 0.00017%; no homozygotes.

Submission:

Labcorp Genetics (formerly Invitae), Labcorp
Classification: Uncertain significance for Emery-Dreifuss muscular dystrophy 5, autosomal dominant. Last evaluated: 2023-07-07. Review status: criteria provided, single submitter. Criteria: Invitae Variant Classification Sherloc (09022015). Collection method: clinical testing. Allele origin: germline.
Comment: This variant has not been reported in the literature in individuals affected with SYNE2-related conditions. This variant is not present in population databases (gnomAD no frequency). This sequence change replaces asparagine, which is neutral and polar, with serine, which is neutral and polar, at codon 2207 of the SYNE2 protein (p.Asn2207Ser). ClinVar contains an entry for this variant (Variation ID: 1511596). In summary, the available evidence is currently insufficient to determine the role of this variant in disease. Therefore, it has been classified as a Variant of Uncertain Significance. Algorithms developed to predict the effect of missense changes on protein structure and function output the following: SIFT: "Not Available"; PolyPhen-2: "Benign"; Align-GVGD: "Not Available". The serine amino acid residue is found in multiple mammalian species, which suggests that this missense change does not adversely affect protein function.